The following is an entry in ClinVar:

ClinVar aggregate classification (germline): Uncertain significance. Review status: criteria provided, multiple submitters, no conflicts (2 of 4 stars). 2 submissions from 2 submitters: Uncertain significance (2). Last evaluated 2025-01-18.

Conditions:
Inborn genetic diseases. Identifiers: MedGen C0950123, MeSH D030342.

Allele frequency attached by ClinVar (database versions not stated): ExAC 0.00001.
gnomAD v4.1: 46 of 1,614,034 alleles (0.0029%); highest among the groups gnomAD compares: Non-Finnish European, 0.0036%; no homozygotes.

Submissions (2):

Ambry Genetics
Classification: Uncertain significance for Inborn genetic diseases. Last evaluated: 2025-01-18. Review status: criteria provided, single submitter. Criteria: Ambry Variant Classification Scheme 2023. Collection method: clinical testing. Allele origin: germline.

Labcorp Genetics (formerly Invitae), Labcorp
Classification: Uncertain significance. Last evaluated: 2023-11-13. Review status: criteria provided, single submitter. Criteria: Invitae Variant Classification Sherloc (09022015). Collection method: clinical testing. Allele origin: germline.
Comment: This sequence change replaces glutamine, which is neutral and polar, with arginine, which is basic and polar, at codon 2103 of the VPS13D protein (p.Gln2103Arg). This variant is present in population databases (rs772392902, gnomAD 0.002%). This variant has not been reported in the literature in individuals affected with VPS13D-related conditions. ClinVar contains an entry for this variant (Variation ID: 2059583). Advanced modeling of protein sequence and biophysical properties (such as structural, functional, and spatial information, amino acid conservation, physicochemical variation, residue mobility, and thermodynamic stability) performed at Invitae indicates that this missense variant is not expected to disrupt VPS13D protein function with a negative predictive value of 80%. In summary, the available evidence is currently insufficient to determine the role of this variant in disease. Therefore, it has been classified as a Variant of Uncertain Significance.

NM_015378.4(VPS13D):c.6308A>G (p.Gln2103Arg)

Gene: VPS13D (vacuolar protein sorting 13 homolog D; plus strand). Cytogenetic location: 1p36.22.
Variant type: single nucleotide variant.
Coding change: c.6308A>G on transcript NM_015378.4 (MANE Select); coding-DNA position 6308, A replaced by G.
Protein change: p.Gln2103Arg; replaces glutamine 2103 with arginine.
Molecular consequence: missense variant.
Genome position (GRCh38, 1-based): chr1:12,304,597, A>G. VCF-style: chr1-12304597-A-G. GRCh37 (hg19) VCF-style: chr1-12364654-A-G.
Other names: c.6308A>G, p.Gln2103Arg (NM_018156.4); c.6308A>G (NM_015378.2); short protein forms Q2103R.
Identifiers: ClinVar variation 2059583 (VCV002059583.5), dbSNP rs772392902, ClinGen allele CA602561.